The following is an entry in ClinVar:

ClinVar aggregate classification (germline): Benign. Review status: criteria provided, multiple submitters, no conflicts (2 of 4 stars). 17 submissions from 16 submitters: Benign (13). 4 of the submissions do not count toward it. Last evaluated 2026-02-04.

Conditions:
Maturity-onset diabetes of the young (MODY). Also called: Maturity onset diabetes mellitus in young. Identifiers: Orphanet 552, MedGen C0342276, MONDO:0018911, HP:0004904.
Maturity-onset diabetes of the young type 3. Also called: MODY type 3; MODY, type III. Identifiers: Orphanet 552, MedGen C1838100, MeSH C563933, MONDO:0010894, OMIM 600496. Disease mechanism: loss of function.
Type 2 diabetes mellitus. Also called: Type II diabetes mellitus. Identifiers: MedGen C0011860, MeSH D003924, MONDO:0005148, OMIM 125853, HP:0005978.
Nonpapillary renal cell carcinoma. Identifiers: Orphanet 422526, MedGen CN074294, MONDO:0007763, OMIM 144700.

Allele frequency attached by ClinVar (database versions not stated): ESP Exome Variant Server 0.24735; gnomAD 0.26206 and 0.27177; TOPMed 0.26750; 1000 Genomes Project 30x 0.30871; gnomAD exomes 0.31172 and 0.33744; 1000 Genomes Project 0.31769; ExAC 0.34651.
gnomAD v4.1: 497,531 of 1,612,298 alleles (31%); highest among the groups gnomAD compares: East Asian, 52%; 80,461 homozygotes.

Submissions (17):

Labcorp Genetics (formerly Invitae), Labcorp
Classification: Benign. Last evaluated: 2026-02-04. Review status: criteria provided, single submitter. Criteria: Invitae Variant Classification Sherloc (09022015). Collection method: clinical testing. Allele origin: germline.

KCCC/NGS Laboratory, Kuwait Cancer Control Center
Classification: Benign for Maturity-onset diabetes of the young type 3. Last evaluated: 2025-02-01. Review status: criteria provided, single submitter. Criteria: ACMG Guidelines, 2015. Collection method: clinical testing. Allele origin: germline. Affected: no.

Blueprint Genetics
Classification: Benign. Last evaluated: 2024-11-27. Review status: criteria provided, single submitter. Criteria: ACMG Guidelines, 2015. Collection method: clinical testing. Allele origin: germline.

KCCC/NGS Laboratory, Kuwait Cancer Control Center
Classification: Benign for Nonpapillary renal cell carcinoma. Last evaluated: 2023-07-07. Review status: criteria provided, single submitter. Criteria: ACMG Guidelines, 2015. Collection method: clinical testing. Allele origin: germline. Affected: yes.

Genome-Nilou Lab
Classification: Benign for Maturity-onset diabetes of the young type 3. Last evaluated: 2021-08-10. Review status: criteria provided, single submitter. Criteria: ACMG Guidelines, 2015. Collection method: clinical testing. Allele origin: germline. Affected: no.

Illumina Laboratory Services, Illumina
Classification: Benign for Maturity-onset diabetes of the young type 3. Last evaluated: 2018-03-06. Review status: criteria provided, single submitter. Criteria: ICSL Variant Classification Criteria 13 December 2019. Collection method: clinical testing. Allele origin: germline.
Comment: This variant was observed in the ICSL laboratory as part of a predisposition screen in an ostensibly healthy population. It had not been previously curated by ICSL or reported in the Human Gene Mutation Database (HGMD: prior to June 1st, 2018), and was therefore a candidate for classification through an automated scoring system. Utilizing variant allele frequency, disease prevalence and penetrance estimates, and inheritance mode, an automated score was calculated to assess if this variant is too frequent to cause the disease. Based on the score and internal cut-off values, a variant classified as benign is not then subjected to further curation. The score for this variant resulted in a classification of benign for this disease.

Athena Diagnostics
Classification: Benign. Last evaluated: 2017-07-12. Review status: criteria provided, single submitter. Criteria: Athena Diagnostics Criteria. Collection method: clinical testing. Allele origin: germline.

Ambry Genetics
Classification: Benign for Maturity-onset diabetes of the young. Last evaluated: 2015-09-27. Review status: criteria provided, single submitter. Criteria: Ambry Variant Classification Scheme 2023. Collection method: clinical testing. Allele origin: germline.

Eurofins Ntd Llc (ga)
Classification: Benign. Last evaluated: 2014-11-18. Review status: criteria provided, single submitter. Criteria: EGL Classification Definitions 2015. Collection method: clinical testing. Allele origin: germline. Observed: 1 variant allele, 1 heterozygote.

GeneDx
Classification: Benign. Last evaluated: 2013-08-21. Review status: criteria provided, single submitter. Criteria: GeneDx Variant Classification (06012015). Collection method: clinical testing. Allele origin: germline. Affected: yes.
Comment: This variant is considered likely benign or benign based on one or more of the following criteria: it is a conservative change, it occurs at a poorly conserved position in the protein, it is predicted to be benign by multiple in silico algorithms, and/or has population frequency not consistent with disease.

Breakthrough Genomics
Classification: Benign. Review status: criteria provided, single submitter. Criteria: ACMG Guidelines, 2015. Collection method: not provided. Allele origin: germline. Inheritance: Autosomal dominant inheritance. Affected: yes.

Clinical Genomics, Uppaluri K&H Personalized Medicine Clinic
Classification: Benign for Type 2 diabetes mellitus. Review status: criteria provided, single submitter. Criteria: K&H Uppaluri Personalized Medicine Clinic Variant Classification & Assertion Criteria. Collection method: research. Allele origin: somatic. Inheritance: Autosomal dominant inheritance. Affected: yes.
Comment: rs2464196 of HNF1A gene can predispose to MODY3. It is associated with both micro and macrovascular complications of diabetes, especially cardiovascular complications. Associated with glucosuria and may respond to sulfonylureas.

PreventionGenetics, part of Exact Sciences
Classification: Benign. Review status: criteria provided, single submitter. Criteria: ACMG Guidelines, 2015. Collection method: clinical testing. Allele origin: germline.

ITMI
No classification provided. Condition: AllHighlyPenetrant. Last evaluated: 2013-09-19. Review status: no classification provided. Collection method: reference population. Allele origin: germline. Not counted in ClinVar's aggregate classification.
Comment: Please see associated publication for description of ethnicities

Diagnostic Laboratory, Department of Genetics, University Medical Center Groningen
Classification: Benign. Review status: no assertion criteria provided. Collection method: clinical testing. Allele origin: germline. Affected: yes. Study: VKGL Data-share Consensus. Not counted in ClinVar's aggregate classification.

Genetic Services Laboratory, University of Chicago
Classification: Likely benign for AllHighlyPenetrant. Review status: no assertion criteria provided. Collection method: clinical testing. Allele origin: germline. Inheritance: Autosomal dominant inheritance. Not counted in ClinVar's aggregate classification.
Comment: Likely benign based on allele frequency in 1000 Genomes Project or ESP global frequency and its presence in a patient with a rare or unrelated disease phenotype. NOT Sanger confirmed.

Genome Diagnostics Laboratory, University Medical Center Utrecht
Classification: Benign. Review status: no assertion criteria provided. Collection method: clinical testing. Allele origin: germline. Affected: yes. Study: VKGL Data-share Consensus. Not counted in ClinVar's aggregate classification.

Literature cited by the submitters: PubMed 10333057 (cited by Athena Diagnostics); PubMed 10634407 (cited by Athena Diagnostics); PubMed 11058894 (cited by Athena Diagnostics); PubMed 12675668 (cited by Athena Diagnostics); PubMed 15761192 (cited by Athena Diagnostics); PubMed 15883474 (cited by Athena Diagnostics); PubMed 15928245 (cited by Athena Diagnostics); PubMed 16963153 (cited by Athena Diagnostics); PubMed 17033837 (cited by Athena Diagnostics); PubMed 17220065 (cited by Athena Diagnostics); PubMed 17407072 (cited by Athena Diagnostics); PubMed 17425917 (cited by Athena Diagnostics); PubMed 17440016 (cited by Athena Diagnostics); PubMed 17573900 (cited by Athena Diagnostics); PubMed 17937063 (cited by Athena Diagnostics); PubMed 18811724 (cited by Athena Diagnostics); PubMed 9112026 (cited by Athena Diagnostics); PubMed 9604876 (cited by Athena Diagnostics); PubMed 18439552 (cited by Ambry Genetics); PubMed 20031592 (cited by Ambry Genetics); PubMed 20690076 (cited by Ambry Genetics); PubMed 9133564 (cited by Ambry Genetics); PubMed 31673528 (cited by Clinical Genomics, Uppaluri K&H Personalized Medicine Clinic); PubMed 34803393 (cited by Clinical Genomics, Uppaluri K&H Personalized Medicine Clinic); PubMed 24728327 (cited by ITMI).

NM_000545.8(HNF1A):c.1460G>A (p.Ser487Asn)

Gene: HNF1A (HNF1 homeobox A; plus strand). Cytogenetic location: 12q24.31.
Variant type: single nucleotide variant.
Coding change: c.1460G>A on transcript NM_000545.8 (MANE Select); coding-DNA position 1460, G replaced by A.
Protein change: p.Ser487Asn; replaces serine 487 with asparagine.
Molecular consequence: missense variant.
Genome position (GRCh38, 1-based): chr12:120,997,624, G>A. VCF-style: chr12-120997624-G-A. GRCh37 (hg19) VCF-style: chr12-121435427-G-A.
Other names: p.S487N:AGC>AAC; c.1460G>A, p.Ser487Asn (NM_001306179.2); short protein forms S487N.
Identifiers: ClinVar variation 129230 (VCV000129230.35), dbSNP rs2464196, ClinGen allele CA153087.